The following is an entry in ClinVar:

ClinVar aggregate classification (germline): Likely benign. Review status: criteria provided, multiple submitters, no conflicts (2 of 4 stars). 2 submissions from 2 submitters: Likely benign (2). Last evaluated 2025-10-28.

Conditions:
RAI1-related disorder. Also called: RAI1-related condition.

Allele frequency attached by ClinVar (database versions not stated): gnomAD exomes 0.00002 and 0.00003; ExAC 0.00003; TOPMed 0.00008; gnomAD 0.00009; 1000 Genomes Project 30x 0.00016; 1000 Genomes Project 0.00020.
gnomAD v4.1: 38 of 1,605,782 alleles (0.0024%); highest among the groups gnomAD compares: Admixed American, 0.017%; no homozygotes.

Submissions (2):

PreventionGenetics, part of Exact Sciences
Classification: Likely benign for RAI1-related condition. Last evaluated: 2025-10-28. Review status: criteria provided, single submitter. Criteria: ACMG Guidelines, 2015. Collection method: clinical testing. Allele origin: germline.
Comment: This variant is classified as likely benign based on ACMG/AMP sequence variant interpretation guidelines (Richards et al. 2015 PMID: 25741868, with internal and published modifications).

Labcorp Genetics (formerly Invitae), Labcorp
Classification: Likely benign. Last evaluated: 2025-10-02. Review status: criteria provided, single submitter. Criteria: Invitae Variant Classification Sherloc (09022015). Collection method: clinical testing. Allele origin: germline.

NM_030665.4(RAI1):c.2364G>A (p.Ser788=)

Gene: RAI1 (retinoic acid induced 1; plus strand). Cytogenetic location: 17p11.2.
Variant type: single nucleotide variant.
Coding change: c.2364G>A on transcript NM_030665.4 (MANE Select); coding-DNA position 2364, G replaced by A.
Protein change: p.Ser788=; no amino-acid change (serine 788 retained).
Molecular consequence: synonymous variant.
Genome position (GRCh38, 1-based): chr17:17,795,312, G>A. VCF-style: chr17-17795312-G-A. GRCh37 (hg19) VCF-style: chr17-17698626-G-A.
Other names: c.2364G>A (NM_030665.3).
Identifiers: ClinVar variation 1586797 (VCV001586797.9), dbSNP rs150442255, ClinGen allele CA8418520.